The following is an entry in ClinVar:

ClinVar aggregate classification (germline): Benign. Review status: criteria provided, multiple submitters, no conflicts (2 of 4 stars). 8 submissions from 7 submitters: Benign (8). Last evaluated 2026-02-02.

Conditions:
Developmental and epileptic encephalopathy, 14 (DEE14). Also called: Early infantile epileptic encephalopathy 14. Identifiers: Orphanet 293181, MedGen C3554195, MONDO:0013989, OMIM 614959.
Autosomal dominant nocturnal frontal lobe epilepsy 5. Also called: CILIARY DYSKINESIA, PRIMARY, 28, WITHOUT SITUS INVERSUS; KCNT1-Related Epilepsy; CILIARY DYSKINESIA, PRIMARY, 28, WITH SITUS INVERSUS; Epilepsy, nocturnal frontal lobe, 5. Identifiers: Orphanet 98784, MedGen C3554306, MONDO:0014002, OMIM 615005.
Inborn genetic diseases. Identifiers: MedGen C0950123, MeSH D030342.

Allele frequency attached by ClinVar (database versions not stated): gnomAD exomes 0.00098 and 0.00249; ExAC 0.00312; gnomAD 0.00843 and 0.00907; ESP Exome Variant Server 0.00946; 1000 Genomes Project 0.00958; TOPMed 0.00972; 1000 Genomes Project 30x 0.01046.
gnomAD v4.1: 2,784 of 1,612,368 alleles (0.17%); highest among the groups gnomAD compares: African/African-American, 2.9%; 42 homozygotes.

Submissions (8):

Labcorp Genetics (formerly Invitae), Labcorp
Classification: Benign for Autosomal dominant nocturnal frontal lobe epilepsy 5; Developmental and epileptic encephalopathy, 14. Last evaluated: 2026-02-02. Review status: criteria provided, single submitter. Criteria: Invitae Variant Classification Sherloc (09022015). Collection method: clinical testing. Allele origin: germline.

Genome-Nilou Lab
Classification: Benign for Developmental and epileptic encephalopathy, 14. Last evaluated: 2022-03-15. Review status: criteria provided, single submitter. Criteria: ACMG Guidelines, 2015. Collection method: clinical testing. Allele origin: germline. Affected: no.

Genome-Nilou Lab
Classification: Benign for Autosomal dominant nocturnal frontal lobe epilepsy 5. Last evaluated: 2022-03-15. Review status: criteria provided, single submitter. Criteria: ACMG Guidelines, 2015. Collection method: clinical testing. Allele origin: germline. Affected: no.

Mayo Clinic Laboratories, Mayo Clinic
Classification: Benign. Last evaluated: 2019-04-30. Review status: criteria provided, single submitter. Criteria: ACMG Guidelines, 2015. Collection method: clinical testing. Allele origin: germline. Observed: 9 variant alleles.

Ambry Genetics
Classification: Benign for Inborn genetic diseases. Last evaluated: 2016-07-08. Review status: criteria provided, single submitter. Criteria: Ambry Variant Classification Scheme 2023. Collection method: clinical testing. Allele origin: germline.

GeneDx
Classification: Benign. Last evaluated: 2016-01-13. Review status: criteria provided, single submitter. Criteria: GeneDx Variant Classification (06012015). Collection method: clinical testing. Allele origin: germline. Affected: yes.
Comment: This variant is considered likely benign or benign based on one or more of the following criteria: it is a conservative change, it occurs at a poorly conserved position in the protein, it is predicted to be benign by multiple in silico algorithms, and/or has population frequency not consistent with disease.

Breakthrough Genomics
Classification: Benign. Review status: criteria provided, single submitter. Criteria: ACMG Guidelines, 2015. Collection method: not provided. Allele origin: germline. Inheritance: Autosomal dominant inheritance. Affected: yes.

PreventionGenetics, part of Exact Sciences
Classification: Benign. Review status: criteria provided, single submitter. Criteria: ACMG Guidelines, 2015. Collection method: clinical testing. Allele origin: germline.

NM_020822.3(KCNT1):c.1056C>G (p.Leu352=)

Gene: KCNT1 (potassium sodium-activated channel subfamily T member 1; plus strand). Cytogenetic location: 9q34.3.
Variant type: single nucleotide variant.
Coding change: c.1056C>G on transcript NM_020822.3 (MANE Select); coding-DNA position 1056, C replaced by G.
Protein change: p.Leu352=; no amino-acid change (leucine 352 retained).
Molecular consequence: synonymous variant.
Genome position (GRCh38, 1-based): chr9:135,765,051, C>G. VCF-style: chr9-135765051-C-G. GRCh37 (hg19) VCF-style: chr9-138656897-C-G.
Other names: p.Leu352=; c.921C>G, p.Leu307= (NM_001272003.2).
Identifiers: ClinVar variation 241299 (VCV000241299.20), dbSNP rs116691849, ClinGen allele CA5326762.